The following is an entry in ClinVar:

ClinVar aggregate classification (germline): Uncertain significance (1 of 4 stars; one submission).

Conditions:
Inborn genetic diseases. Identifiers: MedGen C0950123, MeSH D030342.

Submission:

Ambry Genetics
Classification: Uncertain significance for Inborn genetic diseases. Last evaluated: 2025-11-17. Review status: criteria provided, single submitter. Criteria: Ambry Variant Classification Scheme 2023. Collection method: clinical testing. Allele origin: germline.
Comment: The p.C1085R variant (also known as c.3253T>C), located in coding exon 1 of the SAMD9 gene, results from a T to C substitution at nucleotide position 3253. The cysteine at codon 1085 is replaced by arginine, an amino acid with highly dissimilar properties. This amino acid position is conserved. In addition, this alteration is predicted to be tolerated by in silico analysis. Based on the available evidence, the clinical significance of this variant remains unclear.

NM_017654.4(SAMD9):c.3253T>C (p.Cys1085Arg)

Gene: SAMD9 (sterile alpha motif domain containing 9; minus strand). Cytogenetic location: 7q21.2.
Variant type: single nucleotide variant.
Coding change: c.3253T>C on transcript NM_017654.4 (MANE Select); coding-DNA position 3253, T replaced by C.
Protein change: p.Cys1085Arg; replaces cysteine 1085 with arginine.
Molecular consequence: missense variant.
Genome position (GRCh38, 1-based): chr7:93,102,845, A>G on the plus strand (T>C on the coding strand, the complement: SAMD9 is on the minus strand). VCF-style: chr7-93102845-A-G. GRCh37 (hg19) VCF-style: chr7-92732158-A-G.
Other names: c.3253T>C, p.Cys1085Arg (NM_001193307.2); short protein forms C1085R.
Identifiers: ClinVar variation 4629948 (VCV004629948.1).
Genomic context (GRCh38, chr7:93,102,845, plus strand): 5'-AGTTTAGAGCATTGCCAAAGTCCTTCTTTTTAATGTAGAAATGTCTTGCCAACGCTTGGC[A>G]AATGAATGCATTTGGGTTGAACCGATGGATACTTTCAAGCAATACAGCTTCAACTGCTTC-3'
Protein context (NP_060124.2, residues 1075-1095): IHRFNPNAFI[Cys1085Arg]QALARHFYIK